The following is an entry in ClinVar:

NM_006996.3(SLC19A2):c.1001G>A (p.Gly334Asp)

Gene: SLC19A2 (solute carrier family 19 member 2; minus strand). Cytogenetic location: 1q24.2.
Variant type: single nucleotide variant.
Coding change: c.1001G>A on transcript NM_006996.3 (MANE Select); coding-DNA position 1001, G replaced by A.
Protein change: p.Gly334Asp; replaces glycine 334 with aspartic acid.
Molecular consequence: missense variant.
Genome position (GRCh38, 1-based): chr1:169,469,993, C>T on the plus strand (G>A on the coding strand, the complement: SLC19A2 is on the minus strand). VCF-style: chr1-169469993-C-T. GRCh37 (hg19) VCF-style: chr1-169439231-C-T.
Other names: c.398G>A, p.Gly133Asp (NM_001319667.1); short protein forms G334D, G133D.
Identifiers: ClinVar variation 546109 (VCV000546109.14), dbSNP rs199921604, ClinGen allele CA1232963.

ClinVar aggregate classification (germline): Pathogenic/Likely pathogenic. Review status: criteria provided, multiple submitters, no conflicts (2 of 4 stars). 6 submissions from 6 submitters: Pathogenic (4); Likely pathogenic (2). Last evaluated 2026-10-01.

Conditions:
Megaloblastic anemia, thiamine-responsive, with diabetes mellitus and sensorineural deafness (TRMA). Also called: THIAMINE METABOLISM DYSFUNCTION SYNDROME 1 (MEGALOBLASTIC ANEMIA, DIABETES MELLITUS, AND DEAFNESS TYPE); Thiamine-Responsive Megaloblastic Anemia Syndrome; ROGERS SYNDROME; THIAMINE-RESPONSIVE ANEMIA SYNDROME; THIAMINE-RESPONSIVE MYELODYSPLASIA. Identifiers: Orphanet 49827, MedGen C0342287, MONDO:0009575, OMIM 249270.
SLC19A2-related disorder. Also called: SLC19A2-related condition.

Allele frequency attached by ClinVar (database versions not stated): gnomAD exomes 0.00001 and 0.00002; gnomAD 0.00002 and 0.00001; ExAC 0.00001; TOPMed 0.00003.

Submissions (6):

GeneDx
Classification: Pathogenic. Last evaluated: 2026-10-01. Review status: criteria provided, single submitter. Criteria: GeneDx Variant Classification Process June 2021. Collection method: clinical testing. Allele origin: germline.
Comment: Published functional studies suggest a damaging effect leading to decreased thiamine transport activity and disrupted membrane localization (PMID: 33649974); In silico analysis supports that this missense variant has a deleterious effect on protein structure/function; Not observed at significant frequency in large population cohorts (gnomAD); This variant is associated with the following publications: (PMID: 28371426, 19643445, 28004468, 29450569, 22369132, 22576805, 31264968, 31589614, 39467528, 33649974)

Institute of Human Genetics, University of Leipzig Medical Center
Classification: Likely pathogenic for Megaloblastic anemia, thiamine-responsive, with diabetes mellitus and sensorineural deafness. Last evaluated: 2025-07-01. Review status: criteria provided, single submitter. Criteria: ACMG Guidelines, 2015. Collection method: clinical testing. Allele origin: unknown. Inheritance: Autosomal recessive inheritance. Affected: yes.
Comment: Criteria applied: PM3_STR,PM2_SUP,PP3,PP4

Institute of Medical Genetics and Applied Genomics, University Hospital Tübingen
Classification: Pathogenic for Megaloblastic anemia, thiamine-responsive, with diabetes mellitus and sensorineural deafness. Last evaluated: 2025-04-25. Review status: criteria provided, single submitter. Criteria: ACMG Guidelines, 2015. Collection method: clinical testing. Allele origin: germline. Inheritance: Autosomal recessive inheritance. Affected: yes.

Blueprint Genetics
Classification: Pathogenic for SLC19A2-related disorders. Last evaluated: 2024-10-07. Review status: criteria provided, single submitter. Criteria: ACMG Guidelines, 2015. Collection method: clinical testing. Allele origin: germline. Affected: yes. Observed: 2 variant alleles.

Labcorp Genetics (formerly Invitae), Labcorp
Classification: Pathogenic. Last evaluated: 2024-02-19. Review status: criteria provided, single submitter. Criteria: Invitae Variant Classification Sherloc (09022015). Collection method: clinical testing. Allele origin: germline.
Comment: This sequence change replaces glycine, which is neutral and non-polar, with aspartic acid, which is acidic and polar, at codon 334 of the SLC19A2 protein (p.Gly334Asp). This variant is present in population databases (rs199921604, gnomAD 0.004%). This missense change has been observed in individual(s) with autosomal recessive thiamine-responsive megaloblastic anemia (PMID: 19643445, 28004468). In at least one individual the data is consistent with being in trans (on the opposite chromosome) from a pathogenic variant. This variant is also known as 1002G>A, G335D. ClinVar contains an entry for this variant (Variation ID: 546109). Advanced modeling of protein sequence and biophysical properties (such as structural, functional, and spatial information, amino acid conservation, physicochemical variation, residue mobility, and thermodynamic stability) performed at Invitae indicates that this missense variant is expected to disrupt SLC19A2 protein function with a positive predictive value of 80%. Experimental studies have shown that this missense change affects SLC19A2 function (PMID: 33649974). For these reasons, this variant has been classified as Pathogenic.

Revvity Omics, Revvity
Classification: Likely pathogenic for Megaloblastic anemia, thiamine-responsive, with diabetes mellitus and sensorineural deafness. Last evaluated: 2022-09-27. Review status: criteria provided, single submitter. Criteria: ACMG Guidelines, 2015. Collection method: clinical testing. Allele origin: germline.

Literature cited by the submitters: PubMed 19643445 (cited by Labcorp Genetics (formerly Invitae), Labcorp); PubMed 28004468 (cited by Labcorp Genetics (formerly Invitae), Labcorp); PubMed 33649974 (cited by Labcorp Genetics (formerly Invitae), Labcorp).